The following is an entry in ClinVar:

NM_001401501.2(MUC16):c.37054G>A (p.Glu12352Lys)

Gene: MUC16 (mucin 16, cell surface associated; minus strand). Cytogenetic location: 19p13.2.
Variant type: single nucleotide variant.
Coding change: c.37054G>A on transcript NM_001401501.2 (MANE Select); coding-DNA position 37054, G replaced by A.
Protein change: p.Glu12352Lys; replaces glutamic acid 12352 with lysine.
Molecular consequence: missense variant.
Genome position (GRCh38, 1-based): chr19:8,914,318, C>T on the plus strand (G>A on the coding strand, the complement: MUC16 is on the minus strand). VCF-style: chr19-8914318-C-T. GRCh37 (hg19) VCF-style: chr19-9024994-C-T.
Other names: c.37480G>A, p.Glu12494Lys (NM_001414686.1); c.36934G>A, p.Glu12312Lys (NM_001414687.1); c.36868G>A, p.Glu12290Lys (NM_024690.2); short protein forms E12290K, E12312K, E12352K, E12494K.
Identifiers: ClinVar variation 3059074 (VCV003059074.2), dbSNP rs67631215, ClinGen allele CA9165474.

ClinVar aggregate classification (germline): Benign (0 of 4 stars; one submission).

Conditions:
MUC16-related disorder. Also called: MUC16-related condition.

Allele frequency attached by ClinVar (database versions not stated): 1000 Genomes Project 0.30411; 1000 Genomes Project 30x 0.30762; gnomAD 0.32350; ESP Exome Variant Server 0.33773; gnomAD exomes 0.37323.

Submission:

PreventionGenetics, part of Exact Sciences
Classification: Benign for MUC16-related condition. Last evaluated: 2019-10-21. Review status: no assertion criteria provided. Collection method: clinical testing. Allele origin: germline.
Comment: This variant is classified as benign based on ACMG/AMP sequence variant interpretation guidelines (Richards et al. 2015 PMID: 25741868, with internal and published modifications).